The following is an entry in ClinVar:

NM_015215.4(CAMTA1):c.3892C>T (p.Arg1298Trp)

Genes: CAMTA1 (calmodulin binding transcription activator 1; plus strand), LOC126805603 (CDK7 strongly-dependent group 2 enhancer GRCh37_chr1:7798026-7799225; plus strand). Cytogenetic location: 1p36.23.
Variant type: single nucleotide variant.
Coding change: c.3892C>T on transcript NM_015215.4 (MANE Select); coding-DNA position 3892, C replaced by T.
Protein change: p.Arg1298Trp; replaces arginine 1298 with tryptophan.
Molecular consequence: missense variant. On other transcripts: intron variant (11).
Genome position (GRCh38, 1-based): chr1:7,738,192, C>T. VCF-style: chr1-7738192-C-T. GRCh37 (hg19) VCF-style: chr1-7798252-C-T.
Other names: c.3802C>T, p.Arg1268Trp (NM_001349608.2); c.1021C>T, p.Arg341Trp (NM_001349613.1); c.964C>T, p.Arg322Trp (NM_001349614.1, NM_001349615.2, NM_001349616.2 and 2 more transcripts); c.3659-106C>T (NM_001349609.2, NM_001349610.2); c.3569-106C>T (NM_001349612.2); c.731-106C>T (NM_001349620.1, NM_001349621.1, NM_001349625.2 and 5 more transcripts); short protein forms R322W, R1268W, R1298W, R341W.
Identifiers: ClinVar variation 1029368 (VCV001029368.4), dbSNP rs145964068, ClinGen allele CA567038.

ClinVar aggregate classification (germline): Uncertain significance. Review status: criteria provided, multiple submitters, no conflicts (2 of 4 stars). 3 submissions from 3 submitters: Uncertain significance (3). Last evaluated 2024-01-30.

Conditions:
Inborn genetic diseases. Identifiers: MedGen C0950123, MeSH D030342.
Cerebellar dysfunction with variable cognitive and behavioral abnormalities (CECBA). Also called: Nonprogressive cerebellar atxia with intellectual disability. Identifiers: Orphanet 314647, MedGen C3553661, MONDO:0013886, OMIM 614756.

Allele frequency attached by ClinVar (database versions not stated): ExAC 0.00002; TOPMed 0.00002; gnomAD 0.00003; gnomAD exomes 0.00004 and 0.00005; ESP Exome Variant Server 0.00008.
gnomAD v4.1: 75 of 1,613,872 alleles (0.0046%); highest among the groups gnomAD compares: Middle Eastern, 0.016%; no homozygotes.

Submissions (3):

Ambry Genetics
Classification: Uncertain significance for Inborn genetic diseases. Last evaluated: 2024-01-30. Review status: criteria provided, single submitter. Criteria: Ambry Variant Classification Scheme 2023. Collection method: clinical testing. Allele origin: germline.

Labcorp Genetics (formerly Invitae), Labcorp
Classification: Uncertain significance. Last evaluated: 2023-04-03. Review status: criteria provided, single submitter. Criteria: Invitae Variant Classification Sherloc (09022015). Collection method: clinical testing. Allele origin: germline.
Comment: This variant has not been reported in the literature in individuals affected with CAMTA1-related conditions. This sequence change replaces arginine, which is basic and polar, with tryptophan, which is neutral and slightly polar, at codon 1298 of the CAMTA1 protein (p.Arg1298Trp). This variant is present in population databases (rs145964068, gnomAD 0.01%). ClinVar contains an entry for this variant (Variation ID: 1029368). An algorithm developed to predict the effect of missense changes on protein structure and function (PolyPhen-2) suggests that this variant is likely to be disruptive. In summary, the available evidence is currently insufficient to determine the role of this variant in disease. Therefore, it has been classified as a Variant of Uncertain Significance.

Baylor Genetics
Classification: Uncertain significance for Cerebellar dysfunction with variable cognitive and behavioral abnormalities. Last evaluated: 2020-01-30. Review status: criteria provided, single submitter. Criteria: ACMG Guidelines, 2015. Collection method: clinical testing. Allele origin: unknown. Affected: yes.
Comment: This variant was determined to be of uncertain significance according to ACMG Guidelines, 2015 [PMID:25741868].